The following is an entry in ClinVar:

NM_000372.5(TYR):c.1352A>G (p.Tyr451Cys)

Gene: TYR (tyrosinase; plus strand). Cytogenetic location: 11q14.3.
Variant type: single nucleotide variant.
Coding change: c.1352A>G on transcript NM_000372.5 (MANE Select); coding-DNA position 1352, A replaced by G.
Protein change: p.Tyr451Cys; replaces tyrosine 451 with cysteine.
Molecular consequence: missense variant.
Genome position (GRCh38, 1-based): chr11:89,284,940, A>G. VCF-style: chr11-89284940-A-G. GRCh37 (hg19) VCF-style: chr11-89018108-A-G.
Other names: short protein forms Y451C.
Identifiers: ClinVar variation 523363 (VCV000523363.38), dbSNP rs376823382, ClinGen allele CA6221411.

ClinVar aggregate classification (germline): Conflicting classifications of pathogenicity. Review status: criteria provided, conflicting classifications (1 of 4 stars). 10 submissions from 9 submitters: Pathogenic (1); Likely pathogenic (8); Uncertain significance (1). Last evaluated 2026-01-14.

Conditions:
TYR-related disorder. Also called: TYR-related condition.
Oculocutaneous albinism type 1B (OCA1B). Also called: YELLOW ALBINISM; ALBINISM, YELLOW MUTANT TYPE; ALBINISM, OCULOCUTANEOUS, TYPE IB. Identifiers: Orphanet 352731, Orphanet 352737, Orphanet 79434, MedGen C1847024, MONDO:0011749, OMIM 606952.
Oculocutaneous albinism type 1A (OCA1A). Also called: Albinism, oculocutaneous, type IA. Identifiers: Orphanet 352731, Orphanet 79431, MedGen C4551504, MONDO:0008745, OMIM 203100. Disease mechanism: loss of function.
SKIN/HAIR/EYE PIGMENTATION 3, LIGHT/DARK SKIN (SHEP3). Also called: SKIN/HAIR/EYE PIGMENTATION, VARIATION IN, 3; EYE COLOR 1; EYE COLOR, GREEN/BLUE; SKIN/HAIR/EYE PIGMENTATION 3, BLUE/GREEN EYE COLOR; SKIN/HAIR/EYE PIGMENTATION 3, FRECKLING. Identifiers: MedGen C2677190, OMIM 601800.
Fair hair. Identifiers: MedGen C1849221, HP:0002286.
Albinism. Identifiers: MedGen C0001916, MONDO:0043209, HP:0001022.
Hypopigmentation of the skin. Identifiers: Orphanet 79376, MedGen C0162835, MONDO:0019290, HP:0001010.
Ocular albinism. Identifiers: Orphanet 284804, MedGen C0078917, MeSH D016117, MONDO:0017304, HP:0001107.
Abnormal optic nerve morphology. Also called: Abnormality of the optic nerve. Identifiers: MedGen C0029131, HP:0000587.
Horizontal nystagmus. Identifiers: MedGen C0271385, HP:0000666.
Abnormal retinal morphology. Identifiers: MedGen C0035300, HP:0000479.
Strabismus. Identifiers: MedGen C0038379, MONDO:0003432, HP:0000486.

Allele frequency attached by ClinVar (database versions not stated): TOPMed 0.00010; gnomAD exomes 0.00011 and 0.00019; ESP Exome Variant Server 0.00015; ExAC 0.00021; gnomAD 0.00022 and 0.00023.
gnomAD v4.1: 194 of 1,611,284 alleles (0.012%); highest among the groups gnomAD compares: Middle Eastern, 0.066%; 1 homozygote.

Submissions (10):

Labcorp Genetics (formerly Invitae), Labcorp
Classification: Pathogenic. Last evaluated: 2026-01-14. Review status: criteria provided, single submitter. Criteria: Invitae Variant Classification Sherloc (09022015). Collection method: clinical testing. Allele origin: germline.
Comment: This sequence change replaces tyrosine, which is neutral and polar, with cysteine, which is neutral and slightly polar, at codon 451 of the TYR protein (p.Tyr451Cys). This variant is present in population databases (rs376823382, gnomAD 0.05%). This missense change has been observed in individual(s) with oculocutaneous albinism (PMID: 20861488, 34897530). In at least one individual the data is consistent with being in trans (on the opposite chromosome) from a pathogenic variant. ClinVar contains an entry for this variant (Variation ID: 523363). Invitae Evidence Modeling of protein sequence and biophysical properties (such as structural, functional, and spatial information, amino acid conservation, physicochemical variation, residue mobility, and thermodynamic stability) indicates that this missense variant is expected to disrupt TYR protein function with a positive predictive value of 95%. For these reasons, this variant has been classified as Pathogenic.

Dasa
Classification: Likely pathogenic. Last evaluated: 2025-10-29. Review status: criteria provided, single submitter. Criteria: DASA Assertion Criteria. Collection method: clinical testing. Allele origin: germline.
Comment: NM_000372.5(TYR):c.1352A>G (p.Tyr451Cys) is a missense variant that results in the substitution of tyrosine with cysteine. This variant has been recurrently observed in individuals with TYR-related disorders (PMID: 20861488; PMID: 34897530). Also, this variant is rare in population databases. Computational evidence supports a deleterious effect. Based on the currently available evidence, this variant is classified as likely pathogenic.

Blueprint Genetics
Classification: Likely pathogenic for TYR-related disorders. Last evaluated: 2024-11-06. Review status: criteria provided, single submitter. Criteria: ACMG Guidelines, 2015. Collection method: clinical testing. Allele origin: germline. Affected: yes. Observed: 5 variant alleles.

CeGaT Center for Human Genetics Tuebingen
Classification: Likely pathogenic. Last evaluated: 2024-04-01. Review status: criteria provided, single submitter. Criteria: CeGaT Center For Human Genetics Tuebingen Variant Classification Criteria Version 2. Collection method: clinical testing. Allele origin: germline. Affected: yes. Observed: 2 variant alleles.
Comment: TYR: PM3:Strong, PM2, PP4

Fulgent Genetics
Classification: Likely pathogenic for Oculocutaneous albinism type 1A; SKIN/HAIR/EYE PIGMENTATION 3, LIGHT/DARK SKIN; Oculocutaneous albinism type 1B. Last evaluated: 2024-03-25. Review status: criteria provided, single submitter. Criteria: ACMG Guidelines, 2015. Collection method: clinical testing. Allele origin: germline.

MGZ Medical Genetics Center
Classification: Likely pathogenic for Oculocutaneous albinism type 1B. Last evaluated: 2022-08-17. Review status: criteria provided, single submitter. Criteria: ACMG Guidelines, 2015. Collection method: clinical testing. Allele origin: germline. Affected: yes. Observed: 1 variant allele.
Comment: ACMG criteria applied: PM3_STR, PS4_MOD, PM2_SUP, PP3

Department of Pathology and Laboratory Medicine, Sinai Health System
Classification: Uncertain significance for Oculocutaneous albinism type 1A; Oculocutaneous albinism type 1B. Last evaluated: 2021-07-30. Review status: criteria provided, single submitter. Criteria: ACMG Guidelines, 2015. Collection method: research. Allele origin: germline.

Centre for Mendelian Genomics, University Medical Centre Ljubljana
Classification: Likely pathogenic for Oculocutaneous albinism type 1A. Last evaluated: 2019-03-19. Review status: criteria provided, single submitter. Criteria: ACMG Guidelines, 2015. Collection method: clinical testing. Allele origin: unknown. Affected: yes.
Comment: This variant was classified as: Likely pathogenic. The following ACMG criteria were applied in classifying this variant: PM2,PM3,PP3,PP5.

Centre for Mendelian Genomics, University Medical Centre Ljubljana
Classification: Likely pathogenic for Abnormal optic nerve morphology; Abnormal retinal morphology; Albinism; Fair hair; Horizontal nystagmus; Hypopigmentation of the skin; Ocular albinism; Strabismus. Last evaluated: 2017-01-01. Review status: criteria provided, single submitter. Criteria: ACMG Guidelines, 2015. Collection method: clinical testing. Allele origin: unknown. Affected: yes.

Kariminejad - Najmabadi Pathology & Genetics Center
Classification: Likely pathogenic for Oculocutaneous albinism type 1A. Review status: criteria provided, single submitter. Criteria: ACMG Guidelines, 2015. Collection method: clinical testing. Allele origin: germline. Affected: no.

Literature cited by the submitters: PubMed 20861488 (cited by Labcorp Genetics (formerly Invitae), Labcorp and Dasa); PubMed 34897530 (cited by Labcorp Genetics (formerly Invitae), Labcorp and Dasa).